The following is an entry in ClinVar:

NM_020779.4(WDR35):c.524del (p.Met175fs)

Gene: WDR35 (WD repeat domain 35; minus strand). Cytogenetic location: 2p24.1.
Variant type: Deletion.
Coding change: c.524del on transcript NM_020779.4 (MANE Select); coding-DNA position 524, one base deleted (T; older notation c.524delT).
Protein change: p.Met175fs; shifts the reading frame from methionine 175.
Molecular consequence: frameshift variant.
Genome position (GRCh38, 1-based): chr2:19,975,576, A deleted on the plus strand (T on the coding strand, the reverse complement: WDR35 is on the minus strand). VCF-style (leftmost placement, unchanged base first): chr2-19975575-CA-C. GRCh37 (hg19) VCF-style: chr2-20175336-CA-C.
Other names: c.524del, p.Met175fs (NM_001006657.2); short protein forms M175fs.
Identifiers: ClinVar variation 2631751 (VCV002631751.3), dbSNP rs2527957063, ClinGen allele CA2658007760.

ClinVar aggregate classification (germline): Pathogenic/Likely pathogenic. Review status: criteria provided, multiple submitters, no conflicts (2 of 4 stars). 2 submissions from 2 submitters: Pathogenic (1); Likely pathogenic (1). Last evaluated 2024-12-12.

Conditions:
Cranioectodermal dysplasia 2 (CED2). Identifiers: Orphanet 1515, MedGen C3150874, MONDO:0013323, OMIM 613610.
Short-rib thoracic dysplasia 7 with or without polydactyly (SRTD7). Also called: Short rib polydactyly syndrome 5; SHORT-RIB THORACIC DYSPLASIA 7 WITH POLYDACTYLY. Identifiers: Orphanet 498497, Orphanet 93271, MedGen C3279792, MONDO:0013569, OMIM 614091.
WDR35-related disorder. Also called: WDR35-related condition; WDR35-related disorders. Identifiers: MedGen CN239419.

Allele frequency attached by ClinVar (database versions not stated): gnomAD exomes below 0.00001.

Submissions (2):

Labcorp Genetics (formerly Invitae), Labcorp
Classification: Pathogenic for Cranioectodermal dysplasia 2; Short-rib thoracic dysplasia 7 with or without polydactyly. Last evaluated: 2024-12-12. Review status: criteria provided, single submitter. Criteria: Invitae Variant Classification Sherloc (09022015). Collection method: clinical testing. Allele origin: germline.
Comment: This sequence change creates a premature translational stop signal (p.Met175Argfs*16) in the WDR35 gene. It is expected to result in an absent or disrupted protein product. Loss-of-function variants in WDR35 are known to be pathogenic (PMID: 22486404, 29068549). This variant is not present in population databases (gnomAD no frequency). This variant has not been reported in the literature in individuals affected with WDR35-related conditions. ClinVar contains an entry for this variant (Variation ID: 2631751). For these reasons, this variant has been classified as Pathogenic.

PreventionGenetics, part of Exact Sciences
Classification: Likely pathogenic for WDR35-related condition. Last evaluated: 2023-08-15. Review status: criteria provided, single submitter. Criteria: ACMG Guidelines, 2015. Collection method: clinical testing. Allele origin: germline.
Comment: The WDR35 c.524delT variant is predicted to result in a frameshift and premature protein termination (p.Met175Argfs*16). To our knowledge, this variant has not been reported in the literature or in a large population database, indicating this variant is rare. Frameshift variants in WDR35 are expected to be pathogenic. This variant is interpreted as likely pathogenic.

Literature cited by the submitters: PubMed 22486404 (cited by Labcorp Genetics (formerly Invitae), Labcorp); PubMed 29068549 (cited by Labcorp Genetics (formerly Invitae), Labcorp).